The following is an entry in ClinVar:

ClinVar aggregate classification (germline): Uncertain significance. Review status: criteria provided, multiple submitters, no conflicts (2 of 4 stars). 6 submissions from 5 submitters: Uncertain significance (6). Last evaluated 2025-12-03.

Conditions:
Lethal multiple pterygium syndrome (LMPS). Identifiers: Orphanet 33108, MedGen C1854678, MONDO:0009668, OMIM 253290.
Congenital myasthenic syndrome (CMS). Also called: Congenital Myasthenic Syndromes. Identifiers: Orphanet 590, MedGen C0751882, MeSH D020294, MONDO:0018940.

Allele frequency attached by ClinVar (database versions not stated): TOPMed 0.00003; gnomAD 0.00005; ExAC 0.00006; gnomAD exomes 0.00006 and 0.00008.
gnomAD v4.1: 91 of 1,614,006 alleles (0.0056%); highest among the groups gnomAD compares: Middle Eastern, 0.066%; no homozygotes.

Submissions (6):

Labcorp Genetics (formerly Invitae), Labcorp
Classification: Uncertain significance for Lethal multiple pterygium syndrome. Last evaluated: 2025-12-03. Review status: criteria provided, single submitter. Criteria: Invitae Variant Classification Sherloc (09022015). Collection method: clinical testing. Allele origin: germline.
Comment: This sequence change replaces arginine, which is basic and polar, with cysteine, which is neutral and slightly polar, at codon 148 of the CHRND protein (p.Arg148Cys). This variant is present in population databases (rs199984639, gnomAD 0.04%). This variant has not been reported in the literature in individuals affected with CHRND-related conditions. ClinVar contains an entry for this variant (Variation ID: 334965). An algorithm developed to predict the effect of missense changes on protein structure and function outputs the following: PolyPhen-2: "Benign". The cysteine amino acid residue is found in multiple mammalian species, which suggests that this missense change does not adversely affect protein function. In summary, the available evidence is currently insufficient to determine the role of this variant in disease. Therefore, it has been classified as a Variant of Uncertain Significance.

GeneDx
Classification: Uncertain significance. Last evaluated: 2022-12-02. Review status: criteria provided, single submitter. Criteria: GeneDx Variant Classification Process June 2021. Collection method: clinical testing. Allele origin: germline. Affected: yes.
Comment: In silico analysis supports that this missense variant has a deleterious effect on protein structure/function; Has not been previously published as a pathogenic or benign germline variant to our knowledge; This variant is associated with the following publications: (PMID: 27149842)

Revvity Omics, Revvity
Classification: Uncertain significance. Last evaluated: 2019-06-25. Review status: criteria provided, single submitter. Criteria: ACMG Guidelines, 2015. Collection method: clinical testing. Allele origin: germline.

Illumina Laboratory Services, Illumina
Classification: Uncertain significance for Congenital myasthenic syndrome. Last evaluated: 2018-01-13. Review status: criteria provided, single submitter. Criteria: ICSL Variant Classification Criteria 13 December 2019. Collection method: clinical testing. Allele origin: germline.

Illumina Laboratory Services, Illumina
Classification: Uncertain significance for Lethal multiple pterygium syndrome. Last evaluated: 2018-01-13. Review status: criteria provided, single submitter. Criteria: ICSL Variant Classification Criteria 13 December 2019. Collection method: clinical testing. Allele origin: germline.

Breakthrough Genomics
Classification: Uncertain significance. Review status: criteria provided, single submitter. Criteria: ACMG Guidelines, 2015. Collection method: not provided. Allele origin: germline. Inheritance: Autosomal recessive inheritance. Affected: yes.

NM_000751.3(CHRND):c.442C>T (p.Arg148Cys)

Gene: CHRND (cholinergic receptor nicotinic delta subunit; plus strand). Cytogenetic location: 2q37.1.
Variant type: single nucleotide variant.
Coding change: c.442C>T on transcript NM_000751.3 (MANE Select); coding-DNA position 442, C replaced by T.
Protein change: p.Arg148Cys; replaces arginine 148 with cysteine.
Molecular consequence: missense variant. On other transcripts: synonymous variant (1).
Genome position (GRCh38, 1-based): chr2:232,528,589, C>T. VCF-style: chr2-232528589-C-T. GRCh37 (hg19) VCF-style: chr2-233393299-C-T.
Other names: c.397C>T, p.Arg133Cys (NM_001256657.2); c.171C>T, p.Ser57= (NM_001311195.2); c.139C>T, p.Arg47Cys (NM_001311196.2); short protein forms R148C, R47C, R133C.
Identifiers: ClinVar variation 334965 (VCV000334965.16), dbSNP rs199984639, ClinGen allele CA2168028.